The following is an entry in ClinVar:

ClinVar aggregate classification (germline): Pathogenic (1 of 4 stars; one submission).

Conditions:
Congenital disorder of deglycosylation (CDDG). Identifiers: MedGen C3808991, MONDO:0031376.

Submission:

Labcorp Genetics (formerly Invitae), Labcorp
Classification: Pathogenic for Congenital disorder of deglycosylation. Last evaluated: 2022-10-30. Review status: criteria provided, single submitter. Criteria: Invitae Variant Classification Sherloc (09022015). Collection method: clinical testing. Allele origin: germline.
Comment: This sequence change creates a premature translational stop signal (p.Lys371Glnfs*13) in the NGLY1 gene. It is expected to result in an absent or disrupted protein product. Loss-of-function variants in NGLY1 are known to be pathogenic (PMID: 24651605). This variant is not present in population databases (gnomAD no frequency). This variant has not been reported in the literature in individuals affected with NGLY1-related conditions. For these reasons, this variant has been classified as Pathogenic.

Literature cited by the submitters: PubMed 24651605.

NM_018297.4(NGLY1):c.1109dup (p.Lys371fs)

Gene: NGLY1 (N-glycanase 1; minus strand). Cytogenetic location: 3p24.2.
Variant type: Duplication.
Coding change: c.1109dup on transcript NM_018297.4 (MANE Select); coding-DNA position 1109, one base duplicated (G; older notation c.1109dupG).
Protein change: p.Lys371fs; shifts the reading frame from lysine 371.
Molecular consequence: frameshift variant. On other transcripts: intron variant (1).
Genome position (GRCh38, 1-based): chr3:25,736,044, C duplicated on the plus strand (G on the coding strand, the reverse complement: NGLY1 is on the minus strand); the first of 4 consecutive C bases (chr3:25,736,044-25,736,047); duplicating any one gives the same sequence. VCF-style (leftmost placement, unchanged base first): chr3-25736043-G-GC. GRCh37 (hg19) VCF-style: chr3-25777534-G-GC.
Other names: c.983dup, p.Lys329fs (NM_001145294.2); c.1109dup, p.Lys371fs (NM_001145295.2); c.1095+265dup (NM_001145293.2); short protein forms K329fs, K371fs.
Identifiers: ClinVar variation 2810733 (VCV002810733.3), dbSNP rs2470536051, ClinGen allele CA2739278083.